The following is an entry in ClinVar:

NM_018896.5(CACNA1G):c.6060+4C>G

Gene: CACNA1G (calcium voltage-gated channel subunit alpha1 G; plus strand). Cytogenetic location: 17q21.33.
Variant type: single nucleotide variant.
Coding change: c.6060+4C>G on transcript NM_018896.5 (MANE Select); 4 bases into the intron after coding-DNA position 6060, C replaced by G.
Molecular consequence: intron variant.
Genome position (GRCh38, 1-based): chr17:50,621,798, C>G. VCF-style: chr17-50621798-C-G. GRCh37 (hg19) VCF-style: chr17-48699159-C-G.
Other names: c.5803-2109C>G (NM_001256325.2); c.6027+4C>G (NM_198377.3); c.5892+1972C>G (NM_198380.3); c.5749-2109C>G (NM_198378.3, NM_001256334.2); c.5925+1972C>G (NM_198385.3); c.5782-2109C>G (NM_198384.3, NM_001256333.2); c.5761-2109C>G (NM_001256327.2); c.5871+1972C>G (NM_001256324.2); and 15 more.
Identifiers: ClinVar variation 2189422 (VCV002189422.4), dbSNP rs750907508, ClinGen allele CA8653553.

ClinVar aggregate classification (germline): Uncertain significance (1 of 4 stars; one submission).

Allele frequency attached by ClinVar (database versions not stated): gnomAD exomes 0.00001; TOPMed 0.00001; ExAC 0.00002.
gnomAD v4.1: 8 of 1,613,512 alleles (0.0005%); highest among the groups gnomAD compares: Admixed American, 0.012%; no homozygotes.

Submission:

Labcorp Genetics (formerly Invitae), Labcorp
Classification: Uncertain significance. Last evaluated: 2023-10-13. Review status: criteria provided, single submitter. Criteria: Invitae Variant Classification Sherloc (09022015). Collection method: clinical testing. Allele origin: germline.
Comment: This sequence change falls in intron 35 of the CACNA1G gene. It does not directly change the encoded amino acid sequence of the CACNA1G protein. It affects a nucleotide within the consensus splice site. This variant is present in population databases (rs750907508, gnomAD 0.02%). This variant has not been reported in the literature in individuals affected with CACNA1G-related conditions. ClinVar contains an entry for this variant (Variation ID: 2189422). Variants that disrupt the consensus splice site are a relatively common cause of aberrant splicing (PMID: 17576681, 9536098). Algorithms developed to predict the effect of sequence changes on RNA splicing suggest that this variant may disrupt the consensus splice site. In summary, the available evidence is currently insufficient to determine the role of this variant in disease. Therefore, it has been classified as a Variant of Uncertain Significance.

Literature cited by the submitters: PubMed 17576681; PubMed 9536098.